The following is an entry in ClinVar:

ClinVar aggregate classification (germline): Uncertain significance. Review status: criteria provided, multiple submitters, no conflicts (2 of 4 stars). 2 submissions from 2 submitters: Uncertain significance (2). Last evaluated 2021-10-12.

Allele frequency attached by ClinVar (database versions not stated): gnomAD 0.00001; gnomAD exomes 0.00002; TOPMed 0.00002; ExAC 0.00005; ESP Exome Variant Server 0.00008.
gnomAD v4.1: 12 of 1,613,976 alleles (0.00074%); highest among the groups gnomAD compares: East Asian, 0.0022%; no homozygotes.

Submissions (2):

Blueprint Genetics
Classification: Uncertain significance. Last evaluated: 2021-10-12. Review status: criteria provided, single submitter. Criteria: ACMG Guidelines, 2015. Collection method: clinical testing. Allele origin: germline.

Labcorp Genetics (formerly Invitae), Labcorp
Classification: Uncertain significance. Last evaluated: 2021-09-26. Review status: criteria provided, single submitter. Criteria: Invitae Variant Classification Sherloc (09022015). Collection method: clinical testing. Allele origin: germline.
Comment: This sequence change replaces alanine with valine at codon 313 of the ARSG protein (p.Ala313Val). The alanine residue is highly conserved and there is a small physicochemical difference between alanine and valine. In summary, the available evidence is currently insufficient to determine the role of this variant in disease. Therefore, it has been classified as a Variant of Uncertain Significance. Algorithms developed to predict the effect of missense changes on protein structure and function are either unavailable or do not agree on the potential impact of this missense change (SIFT: "Deleterious"; PolyPhen-2: "Benign"; Align-GVGD: "Class C0"). This variant has not been reported in the literature in individuals affected with ARSG-related conditions. This variant is present in population databases (rs374175059, ExAC 0.009%).

NM_001267727.2(ARSG):c.938C>T (p.Ala313Val)

Gene: ARSG (arylsulfatase G; plus strand). Cytogenetic location: 17q24.2.
Variant type: single nucleotide variant.
Coding change: c.938C>T on transcript NM_001267727.2 (MANE Select); coding-DNA position 938, C replaced by T.
Protein change: p.Ala313Val; replaces alanine 313 with valine.
Molecular consequence: missense variant.
Genome position (GRCh38, 1-based): chr17:68,370,480, C>T. VCF-style: chr17-68370480-C-T. GRCh37 (hg19) VCF-style: chr17-66366621-C-T.
Other names: c.938C>T, p.Ala313Val (NM_001352899.2, NM_001352900.2, NM_001352901.2 and 3 more transcripts); c.935C>T, p.Ala312Val (NM_001352903.2, NM_001352904.2, NM_001352905.2 and 2 more transcripts); c.890C>T, p.Ala297Val (NM_001352909.2); short protein forms A312V, A297V, A313V.
Identifiers: ClinVar variation 1389533 (VCV001389533.5), dbSNP rs374175059, ClinGen allele CA8728404.
Genomic context (GRCh38, chr17:68,370,480, plus strand): 5'-ATTAATGCTTTTTCTGGTTTCTAGGAGACAATGGCCCGTGGGCTCAGAAGTGTGAGCTAG[C>T]GGGCAGTGTGGGTCCCTTCACTGGATTTTGGCAAACTCGTCAAGGTAAGGGGCTCAGCTG-3'
Protein context (NP_001254656.1, residues 303-323): NGPWAQKCEL[Ala313Val]GSVGPFTGFW